The following is an entry in ClinVar:

NM_001374736.1(DST):c.2386C>T (p.Arg796Ter)

Gene: DST (dystonin; minus strand). Cytogenetic location: 6p12.1.
Variant type: single nucleotide variant.
Coding change: c.2386C>T on transcript NM_001374736.1 (MANE Select); coding-DNA position 2386, C replaced by T.
Protein change: p.Arg796Ter; replaces arginine 796 with a stop codon.
Molecular consequence: nonsense.
Genome position (GRCh38, 1-based): chr6:56,640,247, G>A on the plus strand (C>T on the coding strand, the complement: DST is on the minus strand). VCF-style: chr6-56640247-G-A. GRCh37 (hg19) VCF-style: chr6-56505045-G-A.
Other names: c.2287C>T, p.Arg763Ter (NM_001144769.5); c.1873C>T, p.Arg625Ter (NM_001144770.2); c.2386C>T, p.Arg796Ter (NM_001374722.1); c.1753C>T, p.Arg585Ter (NM_001374729.1, NM_001374730.1, NM_001386100.1 and 1 more transcripts); c.2413C>T, p.Arg805Ter (NM_001374734.1); c.775C>T, p.Arg259Ter (NM_001723.7, NM_015548.5); short protein forms R625*, R763*, R259*, R585*, R796*, R805*.
Identifiers: ClinVar variation 641493 (VCV000641493.7), dbSNP rs376491126, ClinGen allele CA139218373.
Genomic context (GRCh38, chr6:56,640,247, plus strand): 5'-TATTGATTTCTTCTTCTGTTAAATTTTGATCCAGCAAAGAAGACTTTAGAAGGGGTTTTC[G>A]GATCTGCATCAACTTCAAAGTTTGCAATGAATTTGGCTCTACTCCTGAACTGAAATTTGG-3'

ClinVar aggregate classification (germline): Pathogenic (1 of 4 stars; one submission).

Conditions:
Hereditary sensory and autonomic neuropathy type 6. Also called: HSAN VI; Neuropathy, hereditary sensory and autonomic, type VI. Identifiers: Orphanet 314381, MedGen C3539003, MONDO:0013839, OMIM 614653.
Epidermolysis bullosa simplex 3, localized or generalized intermediate, with BP230 deficiency (EBS3). Also called: Epidermolysis bullosa simplex, autosomal recessive 2; Epidermolysis bullosa simplex due to BP230 deficiency. Identifiers: Orphanet 412181, MedGen C3809470, MONDO:0014180, OMIM 615425.

Allele frequency attached by ClinVar (database versions not stated): gnomAD exomes below 0.00001; TOPMed below 0.00001; ESP Exome Variant Server 0.00008.
gnomAD v4.1: 6 of 1,614,018 alleles (0.00037%); highest among the groups gnomAD compares: East Asian, 0.0022%; no homozygotes.

Submission:

Labcorp Genetics (formerly Invitae), Labcorp
Classification: Pathogenic for Epidermolysis bullosa simplex 3, localized or generalized intermediate, with BP230 deficiency; Hereditary sensory and autonomic neuropathy type 6. Last evaluated: 2018-12-25. Review status: criteria provided, single submitter. Criteria: Invitae Variant Classification Sherloc (09022015). Collection method: clinical testing. Allele origin: germline.
Comment: For these reasons, this variant has been classified as Pathogenic. Loss-of-function variants in DST are known to be pathogenic (PMID: 25059916). This variant has not been reported in the literature in individuals with DST-related conditions. This variant is not present in population databases (ExAC no frequency). This sequence change creates a premature translational stop signal (p.Arg259*) in the DST gene. It is expected to result in an absent or disrupted protein product.

Literature cited by the submitters: PubMed 25059916.